The following is an entry in ClinVar:

ClinVar aggregate classification (germline): Uncertain significance (1 of 4 stars; one submission).

Conditions:
Developmental and epileptic encephalopathy, 34 (DEE34). Also called: Early infantile epileptic encephalopathy 34; SLC12A5-Related Epilepsy of Infancy with Migrating Focal Seizures. Identifiers: Orphanet 293181, MedGen C4225257, MONDO:0014718, OMIM 616645.

Allele frequency attached by ClinVar (database versions not stated): gnomAD 0.00001; TOPMed 0.00001.
gnomAD v4.1: 13 of 1,606,236 alleles (0.00081%); highest among the groups gnomAD compares: South Asian, 0.015%; no homozygotes.

Submission:

Labcorp Genetics (formerly Invitae), Labcorp
Classification: Uncertain significance for Developmental and epileptic encephalopathy, 34. Last evaluated: 2024-10-28. Review status: criteria provided, single submitter. Criteria: Invitae Variant Classification Sherloc (09022015). Collection method: clinical testing. Allele origin: germline.
Comment: This sequence change replaces leucine, which is neutral and non-polar, with phenylalanine, which is neutral and non-polar, at codon 692 of the SLC12A5 protein (p.Leu692Phe). This variant is present in population databases (rs745527673, gnomAD 0.01%). This variant has not been reported in the literature in individuals affected with SLC12A5-related conditions. ClinVar contains an entry for this variant (Variation ID: 1499890). Invitae Evidence Modeling of protein sequence and biophysical properties (such as structural, functional, and spatial information, amino acid conservation, physicochemical variation, residue mobility, and thermodynamic stability) indicates that this missense variant is not expected to disrupt SLC12A5 protein function with a negative predictive value of 80%. In summary, the available evidence is currently insufficient to determine the role of this variant in disease. Therefore, it has been classified as a Variant of Uncertain Significance.

NM_020708.5(SLC12A5):c.2074C>T (p.Leu692Phe)

Gene: SLC12A5 (solute carrier family 12 member 5; plus strand). Cytogenetic location: 20q13.12.
Variant type: single nucleotide variant.
Coding change: c.2074C>T on transcript NM_020708.5 (MANE Select); coding-DNA position 2074, C replaced by T.
Protein change: p.Leu692Phe; replaces leucine 692 with phenylalanine.
Molecular consequence: missense variant.
Genome position (GRCh38, 1-based): chr20:46,049,683, C>T. VCF-style: chr20-46049683-C-T. GRCh37 (hg19) VCF-style: chr20-44678322-C-T.
Other names: c.2143C>T, p.Leu715Phe (NM_001134771.2); short protein forms L715F, L692F.
Identifiers: ClinVar variation 1499890 (VCV001499890.7), dbSNP rs745527673, ClinGen allele CA9887524.